The following is an entry in ClinVar:

NM_001288705.3(CSF1R):c.92T>A (p.Val31Asp)

Gene: CSF1R (colony stimulating factor 1 receptor; minus strand). Cytogenetic location: 5q32.
Variant type: single nucleotide variant.
Coding change: c.92T>A on transcript NM_001288705.3 (MANE Select); coding-DNA position 92, T replaced by A.
Protein change: p.Val31Asp; replaces valine 31 with aspartic acid.
Molecular consequence: missense variant. On other transcripts: 5 prime UTR variant (1), non-coding transcript variant (2).
Genome position (GRCh38, 1-based): chr5:150,080,982, A>T on the plus strand (T>A on the coding strand, the complement: CSF1R is on the minus strand). VCF-style: chr5-150080982-A-T. GRCh37 (hg19) VCF-style: chr5-149460545-A-T.
Other names: c.92T>A, p.Val31Asp (NM_001349736.2, NM_001375320.1, NM_005211.4); c.-353T>A (NM_001375321.1); short protein forms V31D.
Identifiers: ClinVar variation 1306260 (VCV001306260.2), dbSNP rs1758516240, ClinGen allele CA361737783.

ClinVar aggregate classification (germline): Uncertain significance (1 of 4 stars; one submission).

Allele frequency attached by ClinVar (database versions not stated): gnomAD 0.00001.
gnomAD v4.1: 1 of 1,613,858 alleles (0.000062%); no homozygotes.

Submission:

GeneDx
Classification: Uncertain significance. Last evaluated: 2019-06-18. Review status: criteria provided, single submitter. Criteria: GeneDx Variant Classification Process June 2021. Collection method: clinical testing. Allele origin: germline. Affected: yes.
Comment: Not observed in large population cohorts (Lek et al., 2016); In silico analysis, which includes protein predictors and evolutionary conservation, supports a deleterious effect; Has not been previously published as pathogenic or benign to our knowledge